The following is an entry in ClinVar:

ClinVar aggregate classification (germline): Likely pathogenic. Review status: reviewed by expert panel (3 of 4 stars). 5 submissions from 5 submitters: Likely pathogenic (1). 4 of the submissions do not count toward it. Last evaluated 2019-04-07.

Conditions:
PAH-related disorder. Also called: PAH-related condition.
Phenylketonuria (PKU). Also called: Phenylketonuria (PKU); FOLLING DISEASE; OLIGOPHRENIA PHENYLPYRUVICA; Phenylketonurias. Identifiers: Orphanet 716, MedGen C0031485, MONDO:0009861, OMIM 261600. Disease mechanism: loss of function.

Allele frequency attached by ClinVar (database versions not stated): gnomAD 0.00001; TOPMed 0.00001.
gnomAD v4.1: 6 of 1,613,488 alleles (0.00037%); highest among the groups gnomAD compares: South Asian, 0.0011%; no homozygotes.

Submissions (5):

ClinGen PAH Variant Curation Expert Panel
Classification: Likely pathogenic for Phenylketonuria. Last evaluated: 2019-04-07. Review status: reviewed by expert panel. Criteria: ClinGen PAH ACMG Specifications v1. Collection method: curation. Allele origin: germline. Inheritance: Autosomal recessive inheritance.
Comment: The c.493G>A (p.Ala165Thr) variant in PAH has been reported in multiple individuals with PKU, including siblings (BH4 deficiency excluded). (PP4_Moderate, PMID: 8981952; PP1, PMID: 26666653). This variant has extremely low frequency in gnomAD (MAF=0.00001) (PM2). This variant was detected with c.1066-11G>A (PM3; PMID: 10598814). Multiple lines of computational evidence support a deleterious effect (PP3). In summary, this variant meets criteria to be classified as likely pathogenic for PAH. PAH-specific ACMG/AMP criteria applied: PP4_Moderate, PM2, PM3, PP1, PP3.

Natera, Inc.
Classification: Likely pathogenic for Phenylketonuria. Last evaluated: 2024-09-29. Review status: criteria provided, single submitter. Criteria: Natera Variant Classification Schema (03/2026). Collection method: clinical testing. Allele origin: germline. Not counted in ClinVar's aggregate classification.
Comment: The c.493G>A variant in PAH is a missense variant predicted to cause substitution of alanine to threonine at amino acid 165. This variant is rare in the general population with a frequency below the threshold expected for the associated phenotype(s). This variant has been observed in one or more individuals affected with the associated recessive disease, as either homozygous or compound heterozygous with a second variant (PMID: 38068509, 37257178, 26666653, 19786003). This variant has been identified in one or more affected individual with a phenotype highly consistent with the associated gene (PMID: 37257178). Computational prediction algorithms indicate this variant is likely to affect gene or protein function. Given the available evidence, this variant is classified as Likely Pathogenic.

Labcorp Genetics (formerly Invitae), Labcorp
Classification: Pathogenic for Phenylketonuria. Last evaluated: 2024-06-29. Review status: criteria provided, single submitter. Criteria: Invitae Variant Classification Sherloc (09022015). Collection method: clinical testing. Allele origin: germline. Not counted in ClinVar's aggregate classification.
Comment: This sequence change replaces alanine, which is neutral and non-polar, with threonine, which is neutral and polar, at codon 165 of the PAH protein (p.Ala165Thr). This variant is present in population databases (rs199475626, gnomAD 0.0009%). This missense change has been observed in individual(s) with phenylketonuria (PMID: 26666653). ClinVar contains an entry for this variant (Variation ID: 102700). Advanced modeling of protein sequence and biophysical properties (such as structural, functional, and spatial information, amino acid conservation, physicochemical variation, residue mobility, and thermodynamic stability) performed at Invitae indicates that this missense variant is expected to disrupt PAH protein function with a positive predictive value of 80%. For these reasons, this variant has been classified as Pathogenic.

Blueprint Genetics
Classification: Pathogenic for PAH-related disorders. Last evaluated: 2023-06-27. Review status: criteria provided, single submitter. Criteria: ACMG Guidelines, 2015. Collection method: clinical testing. Allele origin: germline. Affected: yes. Observed: 1 variant allele. Not counted in ClinVar's aggregate classification.

DeBelle Laboratory for Biochemical Genetics, MUHC/MCH RESEARCH INSTITUTE
No classification provided. Review status: no classification provided. Collection method: not provided. Allele origin: not provided. Not counted in ClinVar's aggregate classification.

Literature cited by the submitters: PubMed 10598814 (cited by ClinGen PAH Variant Curation Expert Panel); PubMed 26666653 (cited by 3 submitters); PubMed 19786003 (cited by ClinGen PAH Variant Curation Expert Panel and Natera, Inc.); PubMed 8981952 (cited by ClinGen PAH Variant Curation Expert Panel); PubMed 38068509 (cited by Natera, Inc.); PubMed 37257178 (cited by Natera, Inc.).

NM_000277.3(PAH):c.493G>A (p.Ala165Thr)

Gene: PAH (phenylalanine hydroxylase; minus strand). Cytogenetic location: 12q23.2.
Variant type: single nucleotide variant.
Coding change: c.493G>A on transcript NM_000277.3 (MANE Select); coding-DNA position 493, G replaced by A.
Protein change: p.Ala165Thr; replaces alanine 165 with threonine.
Molecular consequence: missense variant.
Genome position (GRCh38, 1-based): chr12:102,866,612, C>T on the plus strand (G>A on the coding strand, the complement: PAH is on the minus strand). VCF-style: chr12-102866612-C-T. GRCh37 (hg19) VCF-style: chr12-103260390-C-T.
Other names: c.493G>A, p.Ala165Thr (NM_001354304.2); c.493G>A (NM_000277.2); short protein forms A165T.
Identifiers: ClinVar variation 102700 (VCV000102700.8), dbSNP rs199475626, ClinGen allele CA229579.
Genomic context (GRCh38, chr12:102,866,612, plus strand): 5'-GGTGTGTTTTTCTCTCTTCCCCTCAACAAGCAAGGCAGACTTACTGGCGGTAGTTGTAGG[C>T]AATGTCAGCAAACTGCTTCCGTCTTGCACGGTACACAGGATCTTTAAAACCCTAGGAGAA-3'
Protein context (NP_000268.1, residues 155-175): RARRKQFADI[Ala165Thr]YNYRHGQPIP